The following is an entry in ClinVar:

ClinVar aggregate classification (germline): Likely benign. Review status: criteria provided, multiple submitters, no conflicts (2 of 4 stars). 3 submissions from 3 submitters: Likely benign (3). Last evaluated 2026-04-21.

Conditions:
MYO5B-related disorder. Also called: MYO5B-related condition.

Allele frequency attached by ClinVar (database versions not stated): gnomAD exomes 0.00001; gnomAD 0.00002; TOPMed 0.00002; ExAC 0.00155.
gnomAD v4.1: 18 of 1,614,006 alleles (0.0011%); highest among the groups gnomAD compares: Admixed American, 0.0033%; no homozygotes.

Submissions (3):

PreventionGenetics, part of Exact Sciences
Classification: Likely benign for MYO5B-related condition. Last evaluated: 2026-04-21. Review status: criteria provided, single submitter. Criteria: ACMG Guidelines, 2015. Collection method: clinical testing. Allele origin: germline.
Comment: This variant is classified as likely benign based on ACMG/AMP sequence variant interpretation guidelines (Richards et al. 2015 PMID: 25741868, with internal and published modifications).

Labcorp Genetics (formerly Invitae), Labcorp
Classification: Likely benign. Last evaluated: 2024-10-31. Review status: criteria provided, single submitter. Criteria: Invitae Variant Classification Sherloc (09022015). Collection method: clinical testing. Allele origin: germline.

Blueprint Genetics
Classification: Likely benign. Last evaluated: 2023-10-06. Review status: criteria provided, single submitter. Criteria: ACMG Guidelines, 2015. Collection method: clinical testing. Allele origin: germline.

NM_001080467.3(MYO5B):c.4908C>T (p.Thr1636=)

Genes: MYO5B (myosin VB; minus strand), SNHG22 (small nucleolar RNA host gene 22; plus strand). Cytogenetic location: 18q21.1.
Variant type: single nucleotide variant.
Coding change: c.4908C>T on transcript NM_001080467.3 (MANE Select); coding-DNA position 4908, C replaced by T.
Protein change: p.Thr1636=; no amino-acid change (threonine 1636 retained).
Molecular consequence: synonymous variant.
Genome position (GRCh38, 1-based): chr18:49,837,747, G>A on the plus strand (C>T on the coding strand, the complement: MYO5B is on the minus strand). VCF-style: chr18-49837747-G-A. GRCh37 (hg19) VCF-style: chr18-47364117-G-A.
Other names: c.4908C>T (NM_001080467.2).
Identifiers: ClinVar variation 2415916 (VCV002415916.9), dbSNP rs772198023, ClinGen allele CA8960193.